The following is an entry in ClinVar:

ClinVar aggregate classification (germline): Conflicting classifications of pathogenicity. Review status: criteria provided, conflicting classifications (1 of 4 stars). 18 submissions from 18 submitters: Uncertain significance (14); Likely benign (2). 2 of the submissions do not count toward it. Last evaluated 2026-10-01.

Conditions:
MUTYH-related disorder. Also called: MUTYH-related condition; MUTYH-related disorders.
Gastric cancer. Also called: Malignant tumor of stomach; Stomach cancer. Identifiers: MedGen C0024623, MeSH D013274, MONDO:0001056, OMIM 613659, HP:0012126.
Familial adenomatous polyposis 2. Also called: MYH-associated polyposis; FAP type 2; MUTYH Polyposis; MUTYH-related attenuated familial adenomatous polyposis; Adenomas, multiple colorectal; COLORECTAL ADENOMATOUS POLYPOSIS, AUTOSOMAL RECESSIVE. Identifiers: Orphanet 220460, Orphanet 247798, MedGen C3272841, MONDO:0012041, OMIM 608456.
Hereditary cancer. Identifiers: MedGen C1333600.
Hereditary cancer-predisposing syndrome. Also called: Tumor predisposition; Neoplastic Syndromes, Hereditary; Hereditary neoplastic syndrome; Hereditary Cancer Syndrome. Identifiers: Orphanet 140162, MedGen C0027672, MeSH D009386, MONDO:0015356.

Allele frequency attached by ClinVar (database versions not stated): ESP Exome Variant Server 0.00054; gnomAD 0.00067 and 0.00076; gnomAD exomes 0.00013; 1000 Genomes Project 0.00060; ExAC 0.00019; TOPMed 0.00065; 1000 Genomes Project 30x 0.00078.

Submissions 1 to 9 of 18:

St. Jude Molecular Pathology, St. Jude Children's Research Hospital
Classification: Uncertain significance for Familial adenomatous polyposis 2. Last evaluated: 2026-10-01. Review status: criteria provided, single submitter. Criteria: St. Jude Assertion Criteria 2020. Collection method: clinical testing. Allele origin: germline.
Comment: The MUYTH c.1508G>A p.(Gly503Glu) missense variant has a maximum subpopulation frequency of 0.23% in gnomAD v2.1.1. The in silico tool REVEL predicts a benign effect on protein function. This variant was found to cause partial loss of MUTYH function in a bacterial complementation assay (PMID: 25820570). This variant has been reported in individuals with colorectal cancer and/or Lynch syndrome (PMID: 25980754, 28944238). In summary, the evidence currently available is insufficient to determine the clinical significance of this variant. It has therefore been classified as of uncertain significance.

PreventionGenetics, part of Exact Sciences
Classification: Uncertain significance for MUTYH-related condition. Last evaluated: 2026-06-16. Review status: criteria provided, single submitter. Criteria: ACMG Guidelines, 2015. Collection method: clinical testing. Allele origin: germline.
Comment: The MUTYH c.1508G>A variant is predicted to result in the amino acid substitution p.Gly503Glu. This variant has been reported in an individual with suspected Lynch syndrome (Table S2, Yurgelun et al. 2015. PubMed ID: 25980754), in individuals with breast cancer (Supplementary Table, Tung et al. 2015. PubMed ID: 25186627; Table S3, Purrington et al. 2020. PubMed ID: 32868316), and in individuals from a healthy, ancestrally diverse genome sequencing cohort (Table S1, Bodian et al. 2014. PubMed ID: 24728327). Functional studies also suggest this variant impacts base excision repair activity of the MUTYH protein (Komine et al. 2015. PubMed ID: 25820570). This variant is reported in 0.23% of alleles in individuals of African descent in gnomAD and has conflicting interpretations as uncertain significance and likely benign in ClinVar (Variation ID: 134866). At this time, the clinical significance of this variant is uncertain due to the absence of conclusive functional and genetic evidence.

Women's Health and Genetics/Laboratory Corporation of America, LabCorp
Classification: Uncertain significance. Last evaluated: 2026-04-22. Review status: criteria provided, single submitter. Criteria: LabCorp Variant Classification Summary - May 2015. Collection method: clinical testing. Allele origin: germline.
Comment: Variant summary: MUTYH c.1508G>A (p.Gly503Glu) results in a non-conservative amino acid change in the encoded protein sequence. Algorithms developed to predict the effect of missense changes on protein structure and function are either unavailable or do not agree on the potential impact of this missense change. The variant allele was found at a frequency of 0.00013 in 243210 control chromosomes, predominantly at a frequency of 0.0018 within the African or African-American subpopulation in the gnomAD database, including 1 homozygotes. This frequency is not significantly higher than estimated for disease-causing variants in MUTYH, allowing no conclusion about variant significance. c.1508G>A has been reported in the literature in colorectal/breast cancer cases and in the TGCA cohort (e.g. Yurgelun_2015, Lu_2015, Tung_2015, Purrington_2020, Barreiro_2022, Guindalini_2022, de Oliveria_2022). These reports do not provide unequivocal conclusions about association of the variant with MUTYH-Associated Polyposis. At least one publication has reported experimental evidence evaluating an impact on protein function and found the variant caused a partial defect in an E.coli model system (Komine 2015). The following publications have been ascertained in the context of this evaluation (PMID: 34816434, 24728327, 35264596, 25820570, 26689913, 32868316, 25186627, 25980754, 35534704). ClinVar contains an entry for this variant (Variation ID: 134866). Based on the evidence outlined above, the variant was classified as uncertain significance.

Labcorp Genetics (formerly Invitae), Labcorp
Classification: Uncertain significance for Familial adenomatous polyposis 2. Last evaluated: 2026-02-03. Review status: criteria provided, single submitter. Criteria: Invitae Variant Classification Sherloc (09022015). Collection method: clinical testing. Allele origin: germline.
Comment: This sequence change replaces glycine, which is neutral and non-polar, with glutamic acid, which is acidic and polar, at codon 503 of the MUTYH protein (p.Gly503Glu). This variant is present in population databases (rs3219494, gnomAD 0.2%). This missense change has been observed in individual(s) with Breast or endometrial cancer (PMID: 25980754, 26689913, 35534704). This variant is also known as c.1466G>A. ClinVar contains an entry for this variant (Variation ID: 134866). An algorithm developed to predict the effect of missense changes on protein structure and function (PolyPhen-2) suggests that this variant is likely to be disruptive. Experimental studies have shown that this missense change does not substantially affect MUTYH function (PMID: 25820570). In summary, the available evidence is currently insufficient to determine the role of this variant in disease. Therefore, it has been classified as a Variant of Uncertain Significance.

Quest Diagnostics Nichols Institute San Juan Capistrano
Classification: Uncertain significance. Last evaluated: 2025-08-29. Review status: criteria provided, single submitter. Criteria: Quest Diagnostics criteria. Collection method: clinical testing. Allele origin: unknown.
Comment: The MUTYH c.1508G>A (p.Gly503Glu) variant has been reported in the published literature in individuals with breast cancer (PMIDs: 25186627 (2015), 32868316 (2020), 35264596 (2022), 35534704 (2022)), suspected Lynch syndrome (PMID: 25980754 (2015)), and endometrial cancer (PMID: 26689913 (2015)). A published functional study has shown that this variant displays partially defective base excision repair activity without affecting protein expression or localization (PMID: 25820570 (2015)). The frequency of this variant in the general population (Genome Aggregation Database) is uninformative in the assessment of its pathogenicity. Analysis of this variant using bioinformatics tools for the prediction of the effect of amino acid changes on protein structure and function yielded predictions that this variant is benign. Based on the available information, we are unable to determine the clinical significance of this variant.

Color Diagnostics, LLC DBA Color Health
Classification: Uncertain significance for Hereditary cancer-predisposing syndrome. Last evaluated: 2025-08-07. Review status: criteria provided, single submitter. Criteria: ACMG Guidelines, 2015. Collection method: clinical testing. Allele origin: germline.
Comment: This missense variant replaces glycine with glutamic acid at codon 503 of the MUTYH protein. This variant is also known as c.1466G>A (p.Gly489Glu) based on an alternative transcript (NM_001048171). Computational prediction suggests that this variant may not impact protein structure and function. A functional study has reported this variant as causing partial loss of MUTYH function in a bacterial complementation assay (PMID: 25820570). This variant has been reported in an individual affected with breast cancer (PMID: 35264596, 35534704) and Lynch syndrome associated cancer and/or colorectal polyps (PMID: 25980754). This variant has been identified in 60/274602 chromosomes (56/24032 African chromosomes) in the general population by the Genome Aggregation Database (gnomAD). The available evidence is insufficient to determine the role of this variant in disease conclusively. Therefore, this variant is classified as a Variant of Uncertain Significance.

GeneDx
Classification: Uncertain significance. Last evaluated: 2025-01-06. Review status: criteria provided, single submitter. Criteria: GeneDx Variant Classification Process June 2021. Collection method: clinical testing. Allele origin: germline. Affected: yes.
Comment: In silico analysis indicates that this missense variant does not alter protein structure/function; Published functional studies demonstrate partially defective base excision repair activity in a yeast-based complementation assay and reduced protein expression (PMID: 25820570); This variant is associated with the following publications: (PMID: 25186627, 25980754, 24728327, 21167187, 21153778, 26689913, 32868316, 30122538, 34816434, 35534704, 35264596, 25820570)

Revvity Omics, Revvity
Classification: Uncertain significance for Familial adenomatous polyposis 2. Last evaluated: 2024-10-07. Review status: criteria provided, single submitter. Criteria: ACMG Guidelines, 2015. Collection method: clinical testing. Allele origin: germline.

Fulgent Genetics
Classification: Uncertain significance for Familial adenomatous polyposis 2; Gastric cancer. Last evaluated: 2024-03-27. Review status: criteria provided, single submitter. Criteria: ACMG Guidelines, 2015. Collection method: clinical testing. Allele origin: germline.

NM_001048174.2(MUTYH):c.1424G>A (p.Gly475Glu)

Gene: MUTYH (mutY DNA glycosylase; minus strand). Cytogenetic location: 1p34.1.
Variant type: single nucleotide variant.
Coding change: c.1424G>A on transcript NM_001048174.2 (MANE Select); coding-DNA position 1424, G replaced by A.
Protein change: p.Gly475Glu; replaces glycine 475 with glutamic acid.
Molecular consequence: missense variant. On other transcripts: non-coding transcript variant (2).
Genome position (GRCh38, 1-based): chr1:45,330,526, C>T on the plus strand (G>A on the coding strand, the complement: MUTYH is on the minus strand). VCF-style: chr1-45330526-C-T. GRCh37 (hg19) VCF-style: chr1-45796198-C-T.
Other names: p.G503E:GGG>GAG; c.1424G>A, p.Gly475Glu (NM_001048171.2, NM_001048173.2, NM_001293195.2); c.1427G>A, p.Gly476Glu (NM_001048172.2); c.1508G>A, p.Gly503Glu (NM_001128425.2); c.1469G>A, p.Gly490Glu (NM_001293190.2); c.1457G>A, p.Gly486Glu (NM_001293191.2); c.1148G>A, p.Gly383Glu (NM_001293192.2, NM_001293196.2); c.1079G>A, p.Gly360Glu (NM_001350650.2, NM_001350651.2); and 1 more; short protein forms G503E, G489E, G475E, G476E, G486E, G500E, G360E, G383E.
Identifiers: ClinVar variation 134866 (VCV000134866.60), dbSNP rs3219494, ClinGen allele CA012960.